The following is an entry in ClinVar:

ClinVar aggregate classification (germline): Uncertain significance (1 of 4 stars; one submission).

Submission:

CeGaT Center for Human Genetics Tuebingen
Classification: Uncertain significance. Last evaluated: 2023-04-01. Review status: criteria provided, single submitter. Criteria: CeGaT Center For Human Genetics Tuebingen Variant Classification Criteria Version 2. Collection method: clinical testing. Allele origin: germline. Affected: yes. Observed: 1 variant allele.
Comment: TRRAP: PM2

NM_001375524.1(TRRAP):c.1481C>T (p.Pro494Leu)

Gene: TRRAP (transformation/transcription domain associated protein; plus strand). Cytogenetic location: 7q22.1.
Variant type: single nucleotide variant.
Coding change: c.1481C>T on transcript NM_001375524.1 (MANE Select); coding-DNA position 1481, C replaced by T.
Protein change: p.Pro494Leu; replaces proline 494 with leucine.
Molecular consequence: missense variant.
Genome position (GRCh38, 1-based): chr7:98,910,186, C>T. VCF-style: chr7-98910186-C-T. GRCh37 (hg19) VCF-style: chr7-98507809-C-T.
Other names: c.1481C>T, p.Pro494Leu (NM_001244580.2, NM_003496.4); short protein forms P494L.
Identifiers: ClinVar variation 2571287 (VCV002571287.27), dbSNP rs2484712070, ClinGen allele CA368286238.
Genomic context (GRCh38, chr7:98,910,186, plus strand): 5'-AGTCAGAACTTGGAGCCGTGGAAGCAGCTCTGCCTGGGGTGCCCACTGCCCCTGCAGCTC[C>T]TGGCCCTGCTCCCTCCCCAGCCCCTGTCCCTGCCCCACCTCCACCCCCGCCCCCACCCCC-3'
Protein context (NP_001362453.1, residues 484-504): LPGVPTAPAA[Pro494Leu]GPAPSPAPVP